The following is an entry in ClinVar:

ClinVar aggregate classification (germline): Likely benign (1 of 4 stars; one submission).

Conditions:
Ceroid lipofuscinosis, neuronal, 4 (Kufs type) (CLN4). Also called: Ceroid lipofuscinosis, neuronal, 4, Parry type; Neuronal ceroid lipofuscinosis 4B. Identifiers: Orphanet 228343, Orphanet 79262, MedGen C1834207, MONDO:0008083, OMIM 162350.

Allele frequency attached by ClinVar (database versions not stated): 1000 Genomes Project 30x 0.00062; 1000 Genomes Project 0.00080; TOPMed 0.00232; gnomAD 0.00276 and 0.00290; gnomAD exomes 0.00302.
gnomAD v4.1: 1,057 of 362,274 alleles (0.29%); highest among the groups gnomAD compares: Non-Finnish European, 0.44%; 2 homozygotes.

Submission:

Illumina Laboratory Services, Illumina
Classification: Likely benign for Ceroid lipofuscinosis, neuronal, 4 (Kufs type). Last evaluated: 2018-01-13. Review status: criteria provided, single submitter. Criteria: ICSL Variant Classification Criteria 13 December 2019. Collection method: clinical testing. Allele origin: germline.
Comment: This variant was observed in the ICSL laboratory as part of a predisposition screen in an ostensibly healthy population. It had not been previously curated by ICSL or reported in the Human Gene Mutation Database (HGMD: prior to June 1st, 2018), and was therefore a candidate for classification through an automated scoring system. Utilizing variant allele frequency, disease prevalence and penetrance estimates, and inheritance mode, an automated score was calculated to assess if this variant is too frequent to cause the disease. Based on the score and internal cut-off values, a variant classified as likely benign is not then subjected to further curation. The score for this variant resulted in a classification of likely benign for this disease.

NM_025219.3(DNAJC5):c.*373G>A

Gene: DNAJC5 (DnaJ heat shock protein family (Hsp40) member C5; plus strand). Cytogenetic location: 20q13.33.
Variant type: single nucleotide variant.
Coding change: c.*373G>A on transcript NM_025219.3 (MANE Select); 373 bases downstream of the stop codon, G replaced by A.
Molecular consequence: 3 prime UTR variant.
Genome position (GRCh38, 1-based): chr20:63,931,941, G>A. VCF-style: chr20-63931941-G-A. GRCh37 (hg19) VCF-style: chr20-62563294-G-A.
Identifiers: ClinVar variation 899181 (VCV000899181.4), dbSNP rs188304560, ClinGen allele CA317523732.